The following is an entry in ClinVar:

ClinVar aggregate classification (germline): Likely pathogenic (1 of 4 stars; one submission).

Allele frequency attached by ClinVar (database versions not stated): gnomAD exomes below 0.00001.
gnomAD v4.1: 1 of 1,614,210 alleles (0.000062%); highest among the groups gnomAD compares: Middle Eastern, 0.016%; no homozygotes.

Submission:

Labcorp Genetics (formerly Invitae), Labcorp
Classification: Likely pathogenic. Last evaluated: 2023-09-18. Review status: criteria provided, single submitter. Criteria: Invitae Variant Classification Sherloc (09022015). Collection method: clinical testing. Allele origin: germline.
Comment: In summary, the currently available evidence indicates that the variant is pathogenic, but additional data are needed to prove that conclusively. Therefore, this variant has been classified as Likely Pathogenic. Algorithms developed to predict the effect of sequence changes on RNA splicing suggest that this variant may disrupt the consensus splice site. This variant has not been reported in the literature in individuals affected with LAMC2-related conditions. This variant is not present in population databases (gnomAD no frequency). This sequence change affects an acceptor splice site in intron 21 of the LAMC2 gene. It is expected to disrupt RNA splicing. Variants that disrupt the donor or acceptor splice site typically lead to a loss of protein function (PMID: 16199547), and loss-of-function variants in LAMC2 are known to be pathogenic (PMID: 11907499, 16473856).

Literature cited by the submitters: PubMed 16199547; PubMed 11907499; PubMed 16473856.

NM_005562.3(LAMC2):c.3229-1G>A

Gene: LAMC2 (laminin subunit gamma 2; plus strand). Cytogenetic location: 1q25.3.
Variant type: single nucleotide variant.
Coding change: c.3229-1G>A on transcript NM_005562.3 (MANE Select); the canonical splice acceptor site of the intron before coding-DNA position 3229, G replaced by A.
Molecular consequence: splice acceptor variant.
Genome position (GRCh38, 1-based): chr1:183,240,291, G>A. VCF-style: chr1-183240291-G-A. GRCh37 (hg19) VCF-style: chr1-183209426-G-A.
Other names: c.3229-1G>A (NM_018891.3).
Identifiers: ClinVar variation 2790110 (VCV002790110.3), dbSNP rs2526134840, ClinGen allele CA343660947.